The following is an entry in ClinVar:

ClinVar aggregate classification (germline): Benign/Likely benign. Review status: criteria provided, multiple submitters, no conflicts (2 of 4 stars). 3 submissions from 3 submitters: Benign (1); Likely benign (1). 1 of the submissions does not count toward it. Last evaluated 2025-11-10.

Conditions:
RECQL4-related disorder. Also called: RECQL4-related condition; RECQL4-related disorders.
Ovarian cancer. Also called: OVARIAN CANCER, SOMATIC. Identifiers: Orphanet 213500, MedGen C1140680, MONDO:0008170, OMIM 167000.
Baller-Gerold syndrome (BGS). Also called: CRANIOSYNOSTOSIS WITH RADIAL DEFECTS. Identifiers: Orphanet 1225, MedGen C0265308, MONDO:0009039, OMIM 218600.

Allele frequency attached by ClinVar (database versions not stated): gnomAD 0.00004 and 0.00007; TOPMed 0.00013; ExAC 0.00016; gnomAD exomes 0.00016; 1000 Genomes Project 30x 0.00047; 1000 Genomes Project 0.00060.
gnomAD v4.1: 214 of 1,612,772 alleles (0.013%); highest among the groups gnomAD compares: East Asian, 0.46%; 1 homozygote.

Submissions (3):

Labcorp Genetics (formerly Invitae), Labcorp
Classification: Likely benign for Baller-Gerold syndrome. Last evaluated: 2025-11-10. Review status: criteria provided, single submitter. Criteria: Invitae Variant Classification Sherloc (09022015). Collection method: clinical testing. Allele origin: germline.

Laboratory of Molecular Epidemiology of Birth Defects, West China Second University Hospital, Sichuan University
Classification: Benign for Ovarian cancer. Last evaluated: 2022-01-01. Review status: criteria provided, single submitter. Criteria: ACMG Guidelines, 2015. Collection method: clinical testing. Allele origin: germline. Affected: yes.

PreventionGenetics, part of Exact Sciences
Classification: Likely benign for RECQL4-related condition. Last evaluated: 2022-03-31. Review status: no assertion criteria provided. Collection method: clinical testing. Allele origin: germline. Not counted in ClinVar's aggregate classification.
Comment: This variant is classified as likely benign based on ACMG/AMP sequence variant interpretation guidelines (Richards et al. 2015 PMID: 25741868, with internal and published modifications).

NM_004260.4(RECQL4):c.1321C>T (p.Pro441Ser)

Gene: RECQL4 (RecQ like helicase 4; minus strand). Cytogenetic location: 8q24.3.
Variant type: single nucleotide variant.
Coding change: c.1321C>T on transcript NM_004260.4 (MANE Select); coding-DNA position 1321, C replaced by T.
Protein change: p.Pro441Ser; replaces proline 441 with serine.
Molecular consequence: missense variant.
Genome position (GRCh38, 1-based): chr8:144,515,395, G>A on the plus strand (C>T on the coding strand, the complement: RECQL4 is on the minus strand). VCF-style: chr8-144515395-G-A. GRCh37 (hg19) VCF-style: chr8-145740779-G-A.
Other names: short protein forms P441S.
Identifiers: ClinVar variation 406952 (VCV000406952.14), dbSNP rs557142414, ClinGen allele CA4948913.